The following is an entry in ClinVar:

ClinVar aggregate classification (germline): Uncertain significance (1 of 4 stars; one submission).

Submission:

GeneDx
Classification: Uncertain significance. Last evaluated: 2025-04-28. Review status: criteria provided, single submitter. Criteria: GeneDx Variant Classification Process June 2021. Collection method: clinical testing. Allele origin: germline. Affected: yes.
Comment: Not observed at significant frequency in large population cohorts (gnomAD); Missense variant in a gene in which most reported pathogenic variants are truncating/loss of function; Has not been previously published as pathogenic or benign to our knowledge

NM_001267550.2(TTN):c.49564A>G (p.Arg16522Gly)

Genes: TTN (titin; minus strand), TTN-AS1 (TTN antisense RNA 1; plus strand). Cytogenetic location: 2q31.2.
Variant type: single nucleotide variant.
Coding change: c.49564A>G on transcript NM_001267550.2 (MANE Select); coding-DNA position 49564, A replaced by G.
Protein change: p.Arg16522Gly; replaces arginine 16522 with glycine.
Molecular consequence: missense variant.
Genome position (GRCh38, 1-based): chr2:178,613,245, T>C on the plus strand (A>G on the coding strand, the complement: TTN is on the minus strand). VCF-style: chr2-178613245-T-C. GRCh37 (hg19) VCF-style: chr2-179477972-T-C.
Other names: c.44641A>G, p.Arg14881Gly (NM_001256850.1); c.22369A>G, p.Arg7457Gly (NM_003319.4); c.41860A>G, p.Arg13954Gly (NM_133378.4); c.22744A>G, p.Arg7582Gly (NM_133432.3); c.22945A>G, p.Arg7649Gly (NM_133437.4); short protein forms R13954G, R14881G, R16522G, R7457G, R7582G, R7649G.
Identifiers: ClinVar variation 4527815 (VCV004527815.1).